The following is an entry in ClinVar:

ClinVar aggregate classification (germline): Uncertain significance. Review status: criteria provided, single submitter (1 of 4 stars). 2 submissions from 2 submitters: Uncertain significance (1). 1 of the submissions does not count toward it. Last evaluated 2025-04-22.

Conditions:
ALG1-congenital disorder of glycosylation. Also called: CONGENITAL DISORDER OF GLYCOSYLATION, TYPE Ik; CDG Ik; ALG1-CDG. Identifiers: Orphanet 79327, MedGen C2931005, MONDO:0012052, OMIM 608540.

Submissions (2):

ARUP Laboratories, Molecular Genetics and Genomics, ARUP Laboratories
Classification: Uncertain significance for ALG1-congenital disorder of glycosylation. Last evaluated: 2025-04-22. Review status: criteria provided, single submitter. Criteria: ARUP Molecular Germline Variant Investigation Process 2024. Collection method: clinical testing. Allele origin: germline.

Department of Pathology and Laboratory Medicine, Sinai Health System
Classification: Uncertain significance. Review status: no assertion criteria provided. Collection method: clinical testing. Allele origin: unknown. Affected: yes. Study: The Canadian Open Genetics Repository (COGR). Not counted in ClinVar's aggregate classification.
Comment: The ALG1 p.Gly22Arg variant was not identified in the literature nor was it identified in dbSNP, ClinVar, Cosmic, LOVD 3.0 or in the following control databases: the 1000 Genomes Project, the NHLBI GO Exome Sequencing Project, the Exome Aggregation Consortium (August 8th 2016), or the Genome Aggregation Database (Feb 27, 2017). The p.Gly22Arg residue is not conserved in mammals and four out of five computational analyses (PolyPhen-2, SIFT, AlignGVGD, MutationTaster) do not suggest a high likelihood of impact to the protein; however, this information is not predictive enough to rule out pathogenicity. The variant occurs outside of the splicing consensus sequence and in silico or computational prediction software programs (SpliceSiteFinder, MaxEntScan, NNSPLICE, GeneSplicer) do not predict a difference in splicing. In summary, based on the above information the clinical significance of this variant cannot be determined with certainty at this time. This variant is classified as a variant of uncertain significance.

NM_019109.5(ALG1):c.64G>A (p.Gly22Arg)

Genes: ALG1 (ALG1 chitobiosyldiphosphodolichol beta-mannosyltransferase; plus strand), LOC130058383 (ATAC-STARR-seq lymphoblastoid active region 10348; plus strand). Cytogenetic location: 16p13.3.
Variant type: single nucleotide variant.
Coding change: c.64G>A on transcript NM_019109.5 (MANE Select); coding-DNA position 64, G replaced by A.
Protein change: p.Gly22Arg; replaces glycine 22 with arginine.
Molecular consequence: missense variant.
Genome position (GRCh38, 1-based): chr16:5,071,913, G>A. VCF-style: chr16-5071913-G-A. GRCh37 (hg19) VCF-style: chr16-5121914-G-A.
Other names: short protein forms G22R.
Identifiers: ClinVar variation 1050628 (VCV001050628.2), dbSNP rs2142698324, ClinGen allele CA394678491.